The following is an entry in ClinVar:

NM_004336.5(BUB1):c.2158G>A (p.Ala720Thr)

Gene: BUB1 (BUB1 mitotic checkpoint serine/threonine kinase; minus strand). Cytogenetic location: 2q13.
Variant type: single nucleotide variant.
Coding change: c.2158G>A on transcript NM_004336.5 (MANE Select); coding-DNA position 2158, G replaced by A.
Protein change: p.Ala720Thr; replaces alanine 720 with threonine.
Molecular consequence: missense variant.
Genome position (GRCh38, 1-based): chr2:110,650,591, C>T on the plus strand (G>A on the coding strand, the complement: BUB1 is on the minus strand). VCF-style: chr2-110650591-C-T. GRCh37 (hg19) VCF-style: chr2-111408168-C-T.
Other names: c.2098G>A, p.Ala700Thr (NM_001278616.2); c.2158G>A, p.Ala720Thr (NM_001278617.2); short protein forms A700T, A720T.
Identifiers: ClinVar variation 3224036 (VCV003224036.1), dbSNP rs577463953, ClinGen allele CA1827880.

ClinVar aggregate classification (germline): Uncertain significance (1 of 4 stars; one submission).

Allele frequency attached by ClinVar (database versions not stated): gnomAD exomes 0.00001; ExAC 0.00005; 1000 Genomes Project 30x 0.00016; 1000 Genomes Project 0.00020.
gnomAD v4.1: 17 of 1,613,894 alleles (0.0011%); highest among the groups gnomAD compares: South Asian, 0.019%; no homozygotes.

Submission:

Ambry Genetics
Classification: Uncertain significance. Last evaluated: 2023-09-27. Review status: criteria provided, single submitter. Criteria: Ambry Variant Classification Scheme 2023. Collection method: clinical testing. Allele origin: germline.
Comment: The p.A720T variant (also known as c.2158G>A), located in coding exon 18 of the BUB1 gene, results from a G to A substitution at nucleotide position 2158. The alanine at codon 720 is replaced by threonine, an amino acid with similar properties. This amino acid position is conserved. In addition, this alteration is predicted to be tolerated by in silico analysis. Since supporting evidence is limited at this time, the clinical significance of this alteration remains unclear.